The following is an entry in ClinVar:

ClinVar aggregate classification (germline): Uncertain significance (1 of 4 stars; one submission).

Submission:

GeneDx
Classification: Uncertain significance. Last evaluated: 2013-02-01. Review status: criteria provided, single submitter. Criteria: GeneDx Variant Classification (06012015). Collection method: clinical testing. Allele origin: germline. Affected: yes.
Comment: p.Leu1894Phe (CTC>TTC): c.5680 C>T in exon 37 of the RYR2 gene (NM_001035.2). The Leu1894Phe variant in the RYR2 gene has not been reported as a disease-causing mutation or as a benign polymorphism to our knowledge. Leu1894Phe results in a semi-conservative amino acid substitution of a Leucine residue with a larger Phenylalanine residue at a position that is well conserved across species. In silico analysis predicts Leu1894Phe is damaging to the protein structure/function. Furthermore, the Leu1894Phe variant was not observed in approximately 6000 individuals of European and African American ancestry in the NHLBI Exome Sequencing Project, indicating it is not a common benign variant in these populations. However, Leu1894Phe does not occur in any of the hotspot regions of the RYR2 gene, and no definite disease-causing mutations in surrounding residues have been reported in association with CPVT, indicating this region of the protein may tolerate change. With the clinical and molecular information available at this time, we cannot definitively determine if Leu1894Phe is a disease-causing mutation or a rare benign variant. Catecholaminergic Polymorphic Ventricular Tachycardia (CPVT) is characterized by syncope, typically beginning in the first decade of life, which may be triggered by physical activity or intense emotion. In patients with CPVT, stress-induced release of catecholamines causes a dysfunction of the calcium---ion channel in the myocytes (De La Fuente et al., 2008; Napolitano C et al., 2012; Priori S et al., 2002). CPVT is primarily caused by autosomal dominant mutations in the RYR2 and KCNJ2 genes. Less commonly, CPVT is caused by autosomal recessive mutations in the CASQ2 gene (Napolitano C et al., 2012). Approximately 50% of patients with autosomal dominant CPVT have been reported to have a mutation in the RYR2 gene, while mutations in the RYR2 gene associated with arrhythmogenic right ventricular cardiomyopathy (ARVC) are rare (McNally E et al., 2009; Napolitano C et al., 2012). The variant is found in CPVT panel(s).

NM_001035.3(RYR2):c.5680C>T (p.Leu1894Phe)

Gene: RYR2 (ryanodine receptor 2; plus strand). Cytogenetic location: 1q43.
Variant type: single nucleotide variant.
Coding change: c.5680C>T on transcript NM_001035.3 (MANE Select); coding-DNA position 5680, C replaced by T.
Protein change: p.Leu1894Phe; replaces leucine 1894 with phenylalanine.
Molecular consequence: missense variant.
Genome position (GRCh38, 1-based): chr1:237,614,808, C>T. VCF-style: chr1-237614808-C-T. GRCh37 (hg19) VCF-style: chr1-237778108-C-T.
Other names: p.L1894F:CTC>TTC; c.5680C>T, p.Leu1894Phe (LRG_402t1); short protein forms L1894F.
Identifiers: ClinVar variation 201256 (VCV000201256.2), dbSNP rs555692728, ClinGen allele CA009960.
Genomic context (GRCh38, chr1:237,614,808, plus strand): 5'-AAGCTGCAAGGAGCTGGTGAGGAAGAAGCCAAGGGGGGCAAGCGGCCCAAGGAAGGCCTG[C>T]TCCAAATGAAACTGCCAGAGCCAGTTAAATTGCAGGTAATCAGAACAAGAGACTTGAGTG-3'
Protein context (NP_001026.2, residues 1884-1904): KGGKRPKEGL[Leu1894Phe]QMKLPEPVKL